The following is an entry in ClinVar:

ClinVar aggregate classification (germline): Uncertain significance (1 of 4 stars; one submission).

Submission:

Labcorp Genetics (formerly Invitae), Labcorp
Classification: Uncertain significance. Last evaluated: 2022-04-22. Review status: criteria provided, single submitter. Criteria: Invitae Variant Classification Sherloc (09022015). Collection method: clinical testing. Allele origin: germline.
Comment: In summary, the available evidence is currently insufficient to determine the role of this variant in disease. Therefore, it has been classified as a Variant of Uncertain Significance. Algorithms developed to predict the effect of missense changes on protein structure and function are either unavailable or do not agree on the potential impact of this missense change (SIFT: "Not Available"; PolyPhen-2: "Probably Damaging"; Align-GVGD: "Not Available"). This variant has not been reported in the literature in individuals affected with ADAMTS18-related conditions. This variant is not present in population databases (gnomAD no frequency). This sequence change replaces proline, which is neutral and non-polar, with arginine, which is basic and polar, at codon 1037 of the ADAMTS18 protein (p.Pro1037Arg).

NM_199355.4(ADAMTS18):c.3110C>G (p.Pro1037Arg)

Gene: ADAMTS18 (ADAM metallopeptidase with thrombospondin type 1 motif 18; minus strand). Cytogenetic location: 16q23.1.
Variant type: single nucleotide variant.
Coding change: c.3110C>G on transcript NM_199355.4 (MANE Select); coding-DNA position 3110, C replaced by G.
Protein change: p.Pro1037Arg; replaces proline 1037 with arginine.
Molecular consequence: missense variant.
Genome position (GRCh38, 1-based): chr16:77,293,155, G>C on the plus strand (C>G on the coding strand, the complement: ADAMTS18 is on the minus strand). VCF-style: chr16-77293155-G-C. GRCh37 (hg19) VCF-style: chr16-77327052-G-C.
Other names: c.2594C>G, p.Pro865Arg (NM_001326358.2); short protein forms P865R, P1037R.
Identifiers: ClinVar variation 2129301 (VCV002129301.4), dbSNP rs1248957315, ClinGen allele CA396832762.